The following is an entry in ClinVar:

ClinVar aggregate classification (germline): Conflicting classifications of pathogenicity. Review status: criteria provided, conflicting classifications (1 of 4 stars). 2 submissions from 2 submitters: Uncertain significance (1); Likely benign (1). Last evaluated 2025-08-08.

Allele frequency attached by ClinVar (database versions not stated): ESP Exome Variant Server 0.00008; 1000 Genomes Project 30x 0.00031; 1000 Genomes Project 0.00040.
gnomAD v4.1: 149 of 1,606,122 alleles (0.0093%); highest among the groups gnomAD compares: African/African-American, 0.079%; 1 homozygote.

Submissions (2):

Ambry Genetics
Classification: Likely benign. Last evaluated: 2025-08-08. Review status: criteria provided, single submitter. Criteria: Ambry Variant Classification Scheme 2023. Collection method: clinical testing. Allele origin: germline.

Labcorp Genetics (formerly Invitae), Labcorp
Classification: Uncertain significance. Last evaluated: 2022-06-13. Review status: criteria provided, single submitter. Criteria: Invitae Variant Classification Sherloc (09022015). Collection method: clinical testing. Allele origin: germline.
Comment: In summary, the available evidence is currently insufficient to determine the role of this variant in disease. Therefore, it has been classified as a Variant of Uncertain Significance. Algorithms developed to predict the effect of missense changes on protein structure and function output the following: SIFT: "Tolerated"; PolyPhen-2: "Benign"; Align-GVGD: "Class C0". The isoleucine amino acid residue is found in multiple mammalian species, which suggests that this missense change does not adversely affect protein function. This variant has not been reported in the literature in individuals affected with NFATC1-related conditions. This variant is present in population databases (rs376070934, gnomAD 0.09%), and has an allele count higher than expected for a pathogenic variant. This sequence change replaces valine, which is neutral and non-polar, with isoleucine, which is neutral and non-polar, at codon 780 of the NFATC1 protein (p.Val780Ile).

NM_001278669.2(NFATC1):c.2338G>A (p.Val780Ile)

Gene: NFATC1 (nuclear factor of activated T cells 1; plus strand). Cytogenetic location: 18q23.
Variant type: single nucleotide variant.
Coding change: c.2338G>A on transcript NM_001278669.2 (MANE Select); coding-DNA position 2338, G replaced by A.
Protein change: p.Val780Ile; replaces valine 780 with isoleucine.
Molecular consequence: missense variant. On other transcripts: intron variant (2).
Genome position (GRCh38, 1-based): chr18:79,486,493, G>A. VCF-style: chr18-79486493-G-A. GRCh37 (hg19) VCF-style: chr18-77246493-G-A.
Other names: c.922G>A, p.Val308Ile (NM_001278673.2, NM_172388.3); c.2338G>A, p.Val780Ile (NM_006162.5); c.2299G>A, p.Val767Ile (NM_172387.3, NM_172389.3); c.2092+18911G>A (NM_001278670.2); c.2053+18911G>A (NM_001278672.2); c.2299G>A (NM_172387.1); short protein forms V308I, V780I, V767I.
Identifiers: ClinVar variation 1435689 (VCV001435689.9), dbSNP rs376070934, ClinGen allele CA9009598.
Genomic context (GRCh38, chr18:79,486,493, plus strand): 5'-GCGGCCCCTGGCGTGAGCCCCAAGCTCCACGACCTTTCTCCCGCTGCCTACACCAAGGGC[G>A]TTGCCAGCCCGGGCCACTGTCACCTCGGACTCCCGCAGCCGGCCGGAGAGGCCCCCGCCG-3'
Protein context (NP_001265598.1, residues 770-790): DLSPAAYTKG[Val780Ile]ASPGHCHLGL